The following is an entry in ClinVar:

NM_000130.5(F5):c.*2037G>A

Gene: F5 (coagulation factor V; minus strand). Cytogenetic location: 1q24.2.
Variant type: single nucleotide variant.
Coding change: c.*2037G>A on transcript NM_000130.5 (MANE Select); 2037 bases downstream of the stop codon, G replaced by A.
Molecular consequence: 3 prime UTR variant.
Genome position (GRCh38, 1-based): chr1:169,512,276, C>T on the plus strand (G>A on the coding strand, the complement: F5 is on the minus strand). VCF-style: chr1-169512276-C-T. GRCh37 (hg19) VCF-style: chr1-169481514-C-T.
Identifiers: ClinVar variation 877040 (VCV000877040.4), dbSNP rs550454517, ClinGen allele CA32416194.

ClinVar aggregate classification (germline): Conflicting classifications of pathogenicity. Review status: criteria provided, conflicting classifications (1 of 4 stars). 3 submissions from 1 submitter: Uncertain significance (1); Likely benign (2). Last evaluated 2018-01-13.

Conditions:
Budd-Chiari syndrome (BDCHS). Also called: Hepatic vein obstruction. Identifiers: Orphanet 131, MedGen C0856761, MONDO:0010947, OMIM 600880, HP:0002639.
Factor V deficiency. Also called: Reduced coagulation factor V activity. Identifiers: Orphanet 326, MedGen C4317320, MONDO:0020586, HP:0003225.
Thrombophilia due to thrombin defect (THPH1). Also called: Prothrombin Thrombophilia; Thrombosis susceptibility; THROMBOPHILIA DUE TO FACTOR 2 DEFECT; Prothrombin-Related Thrombophilia (Factor II). Identifiers: MedGen C3160733, MONDO:0008559, OMIM 188050. Disease mechanism: gain of function, loss of function.

Allele frequency attached by ClinVar (database versions not stated): 1000 Genomes Project 30x 0.00203; 1000 Genomes Project 0.00220; TOPMed 0.00224; gnomAD 0.00229 and 0.00246.
gnomAD v4.1: 346 of 152,048 alleles (0.23%); highest among the groups gnomAD compares: African/African-American, 0.8%; 2 homozygotes.

Submissions (3):

Illumina Laboratory Services, Illumina
Classification: Likely benign for Venous thrombosis. Last evaluated: 2018-01-13. Review status: criteria provided, single submitter. Criteria: ICSL Variant Classification Criteria 13 December 2019. Collection method: clinical testing. Allele origin: germline.
Comment: This variant was observed in the ICSL laboratory as part of a predisposition screen in an ostensibly healthy population. It had not been previously curated by ICSL or reported in the Human Gene Mutation Database (HGMD: prior to June 1st, 2018), and was therefore a candidate for classification through an automated scoring system. Utilizing variant allele frequency, disease prevalence and penetrance estimates, and inheritance mode, an automated score was calculated to assess if this variant is too frequent to cause the disease. Based on the score and internal cut-off values, a variant classified as likely benign is not then subjected to further curation. The score for this variant resulted in a classification of likely benign for this disease.

Illumina Laboratory Services, Illumina
Classification: Uncertain significance for Budd-Chiari syndrome. Last evaluated: 2018-01-13. Review status: criteria provided, single submitter. Criteria: ICSL Variant Classification Criteria 13 December 2019. Collection method: clinical testing. Allele origin: germline.

Illumina Laboratory Services, Illumina
Classification: Likely benign for Congenital factor V deficiency. Last evaluated: 2018-01-13. Review status: criteria provided, single submitter. Criteria: ICSL Variant Classification Criteria 13 December 2019. Collection method: clinical testing. Allele origin: germline.
Comment: the same text as in the submission from Illumina Laboratory Services, Illumina above.